The following is an entry in ClinVar:

NM_001844.5(COL2A1):c.1588C>A (p.Pro530Thr)

Gene: COL2A1 (collagen type II alpha 1 chain; minus strand). Cytogenetic location: 12q13.11.
Variant type: single nucleotide variant.
Coding change: c.1588C>A on transcript NM_001844.5 (MANE Select); coding-DNA position 1588, C replaced by A.
Protein change: p.Pro530Thr; replaces proline 530 with threonine.
Molecular consequence: missense variant.
Genome position (GRCh38, 1-based): chr12:47,985,820, G>T on the plus strand (C>A on the coding strand, the complement: COL2A1 is on the minus strand). VCF-style: chr12-47985820-G-T. GRCh37 (hg19) VCF-style: chr12-48379603-G-T.
Other names: c.1381C>A, p.Pro461Thr (NM_033150.3); short protein forms P461T, P530T.
Identifiers: ClinVar variation 4804195 (VCV004804195.1).
Genomic context (GRCh38, chr12:47,985,820, plus strand): 5'-GGCCAGGGTCACCGTTGGCTCCCTTGGGGCCAGCAAGACCACTGGGCCCTCGCTCTCCAG[G>T]GGCTCCCTACAAGGGTACACAGGGAGTCAGTGGGATACCATGTGACCTCAGCGATGCAGG-3'
Protein context (NP_001835.3, residues 520-540): QDGLAGPKGA[Pro530Thr]GERGPSGLAG

ClinVar aggregate classification (germline): Uncertain significance (1 of 4 stars; one submission).

gnomAD v4.1: 3 of 1,609,990 alleles (0.00019%); highest among the groups gnomAD compares: Non-Finnish European, 0.00025%; no homozygotes.

Submission:

Labcorp Genetics (formerly Invitae), Labcorp
Classification: Uncertain significance. Last evaluated: 2025-04-17. Review status: criteria provided, single submitter. Criteria: Invitae Variant Classification Sherloc (09022015). Collection method: clinical testing. Allele origin: germline.
Comment: This sequence change replaces proline, which is neutral and non-polar, with threonine, which is neutral and polar, at codon 530 of the COL2A1 protein (p.Pro530Thr). This variant is not present in population databases (gnomAD no frequency). This variant has not been reported in the literature in individuals affected with COL2A1-related conditions. Invitae Evidence Modeling of protein sequence and biophysical properties (such as structural, functional, and spatial information, amino acid conservation, physicochemical variation, residue mobility, and thermodynamic stability) indicates that this missense variant is not expected to disrupt COL2A1 protein function with a negative predictive value of 95%. In summary, the available evidence is currently insufficient to determine the role of this variant in disease. Therefore, it has been classified as a Variant of Uncertain Significance.